The following is an entry in ClinVar:

ClinVar aggregate classification (germline): Uncertain significance (1 of 4 stars; one submission).

Allele frequency attached by ClinVar (database versions not stated): TOPMed below 0.00001.
gnomAD v4.1: 1 of 1,612,430 alleles (0.000062%); no homozygotes.

Submission:

Ambry Genetics
Classification: Uncertain significance. Last evaluated: 2021-12-10. Review status: criteria provided, single submitter. Criteria: Ambry Variant Classification Scheme 2023. Collection method: clinical testing. Allele origin: germline.
Comment: The p.K1886R variant (also known as c.5657A>G), located in coding exon 42 of the PRKDC gene, results from an A to G substitution at nucleotide position 5657. The lysine at codon 1886 is replaced by arginine, an amino acid with highly similar properties. This amino acid position is conserved. Since supporting evidence is limited at this time, the clinical significance of this alteration remains unclear.

NM_006904.7(PRKDC):c.5657A>G (p.Lys1886Arg)

Gene: PRKDC (protein kinase, DNA-activated, catalytic subunit; minus strand). Cytogenetic location: 8q11.21.
Variant type: single nucleotide variant.
Coding change: c.5657A>G on transcript NM_006904.7 (MANE Select); coding-DNA position 5657, A replaced by G.
Protein change: p.Lys1886Arg; replaces lysine 1886 with arginine.
Molecular consequence: missense variant.
Genome position (GRCh38, 1-based): chr8:47,863,492, T>C on the plus strand (A>G on the coding strand, the complement: PRKDC is on the minus strand). VCF-style: chr8-47863492-T-C. GRCh37 (hg19) VCF-style: chr8-48776053-T-C.
Other names: c.5657A>G, p.Lys1886Arg (NM_001081640.2); short protein forms K1886R.
Identifiers: ClinVar variation 1748893 (VCV001748893.2), dbSNP rs781215526, ClinGen allele CA176172145.
Genomic context (GRCh38, chr8:47,863,492, plus strand): 5'-GTAATACACGAGCCATGGAAAACTTGATTAATTTTTGATTCCTTAGCATGAACATCATCT[T>C]TGGGAAGGCGAGAATACATCACGTCTAGAATCTTATAGTAGCCCATCTTCTTGGTGATTT-3'
Protein context (NP_008835.5, residues 1876-1896): ILDVMYSRLP[Lys1886Arg]DDVHAKESKI